The following is an entry in ClinVar:

ClinVar aggregate classification (germline): Uncertain significance (1 of 4 stars; one submission).

Conditions:
Glycogen storage disease, type II (IOPD). Also called: Pompe Disease; CARDIOMEGALIA GLYCOGENICA DIFFUSA; Glycogen storage disease type 2; Acid maltase deficiency disease; Aglucosidase alfa; Deficiency of alpha-glucosidase. Identifiers: Orphanet 365, MedGen C0017921, MONDO:0009290, OMIM 232300.

Submission:

Labcorp Genetics (formerly Invitae), Labcorp
Classification: Uncertain significance for Glycogen storage disease, type II. Last evaluated: 2020-08-07. Review status: criteria provided, single submitter. Criteria: Invitae Variant Classification Sherloc (09022015). Collection method: clinical testing. Allele origin: germline.
Comment: This variant is not present in population databases (ExAC no frequency). This sequence change replaces glycine with cysteine at codon 377 of the GAA protein (p.Gly377Cys). The glycine residue is highly conserved and there is a large physicochemical difference between glycine and cysteine. This variant has not been reported in the literature in individuals with GAA-related conditions. Advanced modeling of protein sequence and biophysical properties (such as structural, functional, and spatial information, amino acid conservation, physicochemical variation, residue mobility, and thermodynamic stability) performed at Invitae indicates that this missense variant is expected to disrupt GAA protein function. In summary, the available evidence is currently insufficient to determine the role of this variant in disease. Therefore, it has been classified as a Variant of Uncertain Significance.

NM_000152.5(GAA):c.1129G>T (p.Gly377Cys)

Gene: GAA (alpha glucosidase; plus strand). Cytogenetic location: 17q25.3.
Variant type: single nucleotide variant.
Coding change: c.1129G>T on transcript NM_000152.5 (MANE Select); coding-DNA position 1129, G replaced by T.
Protein change: p.Gly377Cys; replaces glycine 377 with cysteine.
Molecular consequence: missense variant.
Genome position (GRCh38, 1-based): chr17:80,108,542, G>T. VCF-style: chr17-80108542-G-T. GRCh37 (hg19) VCF-style: chr17-78082341-G-T.
Other names: c.1129G>T, p.Gly377Cys (NM_001079803.3, NM_001079804.3); short protein forms G377C.
Identifiers: ClinVar variation 1009629 (VCV001009629.10), dbSNP rs752002666, ClinGen allele CA401365013.